The following is an entry in ClinVar:

ClinVar aggregate classification (germline): Likely benign. Review status: criteria provided, multiple submitters, no conflicts (2 of 4 stars). 2 submissions from 2 submitters: Likely benign (2). Last evaluated 2025-05-26.

Conditions:
FLG-related disorder. Also called: FLG-related condition; FLG-related disorders.

gnomAD v4.1: 681 of 1,613,922 alleles (0.042%); highest among the groups gnomAD compares: African/African-American, 0.74%; 7 homozygotes.

Submissions (2):

PreventionGenetics, part of Exact Sciences
Classification: Likely benign for FLG-related condition. Last evaluated: 2025-05-26. Review status: criteria provided, single submitter. Criteria: ACMG Guidelines, 2015. Collection method: clinical testing. Allele origin: germline.
Comment: This variant is classified as likely benign based on ACMG/AMP sequence variant interpretation guidelines (Richards et al. 2015 PMID: 25741868, with internal and published modifications).

CeGaT Center for Human Genetics Tuebingen
Classification: Likely benign. Last evaluated: 2025-02-01. Review status: criteria provided, single submitter. Criteria: CeGaT Center For Human Genetics Tuebingen Variant Classification Criteria Version 2. Collection method: clinical testing. Allele origin: germline. Affected: yes. Observed: 1 variant allele.
Comment: FLG: BP4, BS2

NM_002016.2(FLG):c.2131C>T (p.Arg711Cys)

Genes: CCDST (cervical cancer associated DHX9 suppressive transcript; plus strand), FLG (filaggrin; minus strand). Cytogenetic location: 1q21.3.
Variant type: single nucleotide variant.
Coding change: c.2131C>T on transcript NM_002016.2 (MANE Select); coding-DNA position 2131, C replaced by T.
Protein change: p.Arg711Cys; replaces arginine 711 with cysteine.
Molecular consequence: missense variant.
Genome position (GRCh38, 1-based): chr1:152,312,755, G>A on the plus strand (C>T on the coding strand, the complement: FLG is on the minus strand). VCF-style: chr1-152312755-G-A. GRCh37 (hg19) VCF-style: chr1-152285231-G-A.
Other names: short protein forms R711C.
Identifiers: ClinVar variation 3771361 (VCV003771361.14).